The following is an entry in ClinVar:

ClinVar aggregate classification (germline): Uncertain significance (1 of 4 stars; one submission).

Allele frequency attached by ClinVar (database versions not stated): gnomAD exomes 0.00002; ExAC 0.00004.
gnomAD v4.1: 34 of 1,614,000 alleles (0.0021%); highest among the groups gnomAD compares: South Asian, 0.021%; no homozygotes.

Submission:

Labcorp Genetics (formerly Invitae), Labcorp
Classification: Uncertain significance. Last evaluated: 2022-05-28. Review status: criteria provided, single submitter. Criteria: Invitae Variant Classification Sherloc (09022015). Collection method: clinical testing. Allele origin: germline.
Comment: In summary, the available evidence is currently insufficient to determine the role of this variant in disease. Therefore, it has been classified as a Variant of Uncertain Significance. This sequence change replaces arginine, which is basic and polar, with tryptophan, which is neutral and slightly polar, at codon 118 of the TRPV3 protein (p.Arg118Trp). This variant is present in population databases (rs753351096, gnomAD 0.03%). This variant has not been reported in the literature in individuals affected with TRPV3-related conditions. This missense change has been observed in at least one individual who was not affected with TRPV3-related conditions (Invitae). Algorithms developed to predict the effect of missense changes on protein structure and function are either unavailable or do not agree on the potential impact of this missense change (SIFT: "Deleterious"; PolyPhen-2: "Possibly Damaging"; Align-GVGD: "Class C0").

NM_145068.4(TRPV3):c.352C>T (p.Arg118Trp)

Gene: TRPV3 (transient receptor potential cation channel subfamily V member 3; minus strand). Cytogenetic location: 17p13.2.
Variant type: single nucleotide variant.
Coding change: c.352C>T on transcript NM_145068.4 (MANE Select); coding-DNA position 352, C replaced by T.
Protein change: p.Arg118Trp; replaces arginine 118 with tryptophan.
Molecular consequence: missense variant.
Genome position (GRCh38, 1-based): chr17:3,543,588, G>A on the plus strand (C>T on the coding strand, the complement: TRPV3 is on the minus strand). VCF-style: chr17-3543588-G-A. GRCh37 (hg19) VCF-style: chr17-3446882-G-A.
Other names: c.352C>T, p.Arg118Trp (NM_001258205.2); short protein forms R118W.
Identifiers: ClinVar variation 2202591 (VCV002202591.4), dbSNP rs753351096, ClinGen allele CA8289878.